The following is an entry in ClinVar:

NM_000108.5(DLD):c.848dup (p.Lys284fs)

Gene: DLD (dihydrolipoamide dehydrogenase; plus strand). Cytogenetic location: 7q31.1.
Variant type: Duplication.
Coding change: c.848dup on transcript NM_000108.5 (MANE Select); coding-DNA position 848, one base duplicated (A; older notation c.848dupA).
Protein change: p.Lys284fs; shifts the reading frame from lysine 284.
Molecular consequence: frameshift variant.
Genome position (GRCh38, 1-based): chr7:107,915,669, A duplicated; the last of 2 consecutive A bases (chr7:107,915,668-107,915,669); duplicating either gives the same sequence. VCF-style (leftmost placement, unchanged base first): chr7-107915667-C-CA. GRCh37 (hg19) VCF-style: chr7-107556112-C-CA.
Other names: c.551dup, p.Lys185fs (NM_001289750.1); c.779dup, p.Lys261fs (NM_001289751.1); c.704dup, p.Lys236fs (NM_001289752.1); short protein forms K185fs, K236fs, K261fs, K284fs.
Identifiers: ClinVar variation 4681881 (VCV004681881.5).
Genomic context (GRCh38, chr7:107,915,667, plus strand): 5'-ACGCATCCTTCAAAAACAGGGGTTTAAATTTAAATTGAATACAAAGGTTACTGGTGCTAC[C>CA]AAGAAGTCAGATGGAAAAATTGATGTTTCGTAAGTATACATCATTTGTTTTTGATGTATC-3'

ClinVar aggregate classification (germline): Pathogenic (1 of 4 stars; one submission).

Submission:

CeGaT Center for Human Genetics Tuebingen
Classification: Pathogenic. Last evaluated: 2025-12-01. Review status: criteria provided, single submitter. Criteria: CeGaT Center For Human Genetics Tuebingen Variant Classification Criteria Version 2. Collection method: clinical testing. Allele origin: germline. Affected: yes. Observed: 1 variant allele.
Comment: DLD: PVS1, PM2